The following is an entry in ClinVar:

NM_000823.4(GHRHR):c.1069C>T (p.Arg357Cys)

Gene: GHRHR (growth hormone releasing hormone receptor; plus strand). Cytogenetic location: 7p14.3.
Variant type: single nucleotide variant.
Coding change: c.1069C>T on transcript NM_000823.4 (MANE Select); coding-DNA position 1069, C replaced by T.
Protein change: p.Arg357Cys; replaces arginine 357 with cysteine.
Molecular consequence: missense variant.
Genome position (GRCh38, 1-based): chr7:30,976,523, C>T. VCF-style: chr7-30976523-C-T. GRCh37 (hg19) VCF-style: chr7-31016138-C-T.
Other names: short protein forms R357C.
Identifiers: ClinVar variation 1322999 (VCV001322999.7), dbSNP rs376948691, ClinGen allele CA4208772.

ClinVar aggregate classification (germline): Pathogenic. Review status: criteria provided, multiple submitters, no conflicts (2 of 4 stars). 3 submissions from 3 submitters: Pathogenic (3). Last evaluated 2025-12-18.

Conditions:
Isolated growth hormone deficiency, type 4. Also called: ISOLATED GROWTH HORMONE DEFICIENCY, TYPE IV; DWARFISM OF SINDH. Identifiers: Orphanet 684247, MedGen C4722273, MONDO:0032567, OMIM 618157.

Allele frequency attached by ClinVar (database versions not stated): TOPMed 0.00001; gnomAD exomes 0.00002; ExAC 0.00001; ESP Exome Variant Server 0.00008; gnomAD 0.00001.
gnomAD v4.1: 36 of 1,613,384 alleles (0.0022%); highest among the groups gnomAD compares: East Asian, 0.0067%; no homozygotes.

Submissions (3):

Women's Health and Genetics/Laboratory Corporation of America, LabCorp
Classification: Pathogenic for Isolated growth hormone deficiency, type 4. Last evaluated: 2025-12-18. Review status: criteria provided, single submitter. Criteria: LabCorp Variant Classification Summary - May 2015. Collection method: clinical testing. Allele origin: germline.
Comment: Variant summary: GHRHR c.1069C>T (p.Arg357Cys) results in a non-conservative amino acid change in the encoded protein sequence. Algorithms developed to predict the effect of missense changes on protein structure and function are either unavailable or do not agree on the potential impact of this missense change. The variant allele was found at a frequency of 2e-05 in 250596 control chromosomes (gnomAD). c.1069C>T has been observed in multiple homozygous individuals affected with Isolated growth hormone deficiency, type 4 (Haskin_2006). These data indicate that the variant is very likely to be associated with disease. Publications also reported experimental evidence evaluating an impact on protein function, and demonstrated virtually complete inactivity of the mutant receptor in vitro (Haskin_2006, Zhou_2020). The following publications have been ascertained in the context of this evaluation (PMID: 33060564, 16610237). ClinVar contains an entry for this variant (Variation ID: 1322999). Based on the evidence outlined above, the variant was classified as pathogenic.

Labcorp Genetics (formerly Invitae), Labcorp
Classification: Pathogenic. Last evaluated: 2025-03-18. Review status: criteria provided, single submitter. Criteria: Invitae Variant Classification Sherloc (09022015). Collection method: clinical testing. Allele origin: germline.
Comment: This sequence change replaces arginine, which is basic and polar, with cysteine, which is neutral and slightly polar, at codon 357 of the GHRHR protein (p.Arg357Cys). This variant is present in population databases (rs376948691, gnomAD 0.004%). This missense change has been observed in individuals with familial isolated growth hormone deficiency (PMID: 16610237). It has also been observed to segregate with disease in related individuals. ClinVar contains an entry for this variant (Variation ID: 1322999). Invitae Evidence Modeling of protein sequence and biophysical properties (such as structural, functional, and spatial information, amino acid conservation, physicochemical variation, residue mobility, and thermodynamic stability) has been performed for this missense variant. However, the output from this modeling did not meet the statistical confidence thresholds required to predict the impact of this variant on GHRHR protein function. Experimental studies have shown that this missense change affects GHRHR function (PMID: 16610237, 33060564). For these reasons, this variant has been classified as Pathogenic.

Revvity Omics, Revvity
Classification: Pathogenic for Isolated growth hormone deficiency, type 4. Last evaluated: 2020-10-06. Review status: criteria provided, single submitter. Criteria: ACMG Guidelines, 2015. Collection method: clinical testing. Allele origin: germline.

Literature cited by the submitters: PubMed 16610237 (cited by Women's Health and Genetics/Laboratory Corporation of America, LabCorp and Labcorp Genetics (formerly Invitae), Labcorp); PubMed 33060564 (cited by Women's Health and Genetics/Laboratory Corporation of America, LabCorp and Labcorp Genetics (formerly Invitae), Labcorp).